The following is an entry in ClinVar:

NM_000551.4(VHL):c.39A>G (p.Val13=)

Gene: VHL (von Hippel-Lindau tumor suppressor; plus strand). Cytogenetic location: 3p25.3.
Variant type: single nucleotide variant.
Coding change: c.39A>G on transcript NM_000551.4 (MANE Select); coding-DNA position 39, A replaced by G.
Protein change: p.Val13=; no amino-acid change (valine 13 retained).
Molecular consequence: synonymous variant.
Genome position (GRCh38, 1-based): chr3:10,141,886, A>G. VCF-style: chr3-10141886-A-G. GRCh37 (hg19) VCF-style: chr3-10183570-A-G.
Other names: c.39A>G, p.Val13= (NM_001354723.2, NM_198156.3).
Identifiers: ClinVar variation 772558 (VCV000772558.19), dbSNP rs996469746, ClinGen allele CA70042206.
Genomic context (GRCh38, chr3:10,141,886, plus strand): 5'-GGTGGTCTGGATCGCGGAGGGAATGCCCCGGAGGGCGGAGAACTGGGACGAGGCCGAGGT[A>G]GGCGCGGAGGAGGCAGGCGTCGAAGAGTACGGCCCTGAAGAAGACGGCGGGGAGGAGTCG-3'
Protein context (NP_000542.1, residues 3-23): RRAENWDEAE[Val13=]GAEEAGVEEY

ClinVar aggregate classification (germline): Benign/Likely benign. Review status: criteria provided, multiple submitters, no conflicts (2 of 4 stars). 5 submissions from 5 submitters: Benign (1); Likely benign (4). Last evaluated 2025-10-06.

Conditions:
Von Hippel-Lindau syndrome (VHLS). Also called: Von Hippel-Lindau; von Hippel–Lindau syndrome; VHL syndrome. Identifiers: Orphanet 892, MedGen C0019562, MONDO:0008667, OMIM 193300. Disease mechanism: loss of function.
Chuvash polycythemia. Also called: POLYCYTHEMIA, VHL-DEPENDENT. Identifiers: Orphanet 238557, MedGen C1837915, MONDO:0009892, OMIM 263400.
Hereditary cancer-predisposing syndrome. Also called: Neoplastic Syndromes, Hereditary; Hereditary neoplastic syndrome; Tumor predisposition; Hereditary Cancer Syndrome. Identifiers: Orphanet 140162, MedGen C0027672, MeSH D009386, MONDO:0015356.

Allele frequency attached by ClinVar (database versions not stated): gnomAD exomes 0.00001; TOPMed 0.00006.

Submissions (5):

Labcorp Genetics (formerly Invitae), Labcorp
Classification: Likely benign for Von Hippel-Lindau syndrome; Chuvash polycythemia. Last evaluated: 2025-10-06. Review status: criteria provided, single submitter. Criteria: Invitae Variant Classification Sherloc (09022015). Collection method: clinical testing. Allele origin: germline.

Myriad Genetics, Inc.
Classification: Benign for Von Hippel-Lindau syndrome. Last evaluated: 2025-06-10. Review status: criteria provided, single submitter. Criteria: Myriad Autosomal Dominant, Autosomal Recessive and X-Linked Classification Criteria (2023). Collection method: clinical testing. Allele origin: unknown.
Comment: This variant is considered benign. This variant is a silent/synonymous amino acid change and it is not expected to impact splicing.

All of Us Research Program, National Institutes of Health
Classification: Likely benign for Von Hippel-Lindau syndrome. Last evaluated: 2024-07-29. Review status: criteria provided, single submitter. Criteria: ACMG Guidelines, 2015. Collection method: clinical testing. Allele origin: germline. Inheritance: Autosomal dominant inheritance. Observed: 2 variant alleles, 2 heterozygotes.
Comment: This study involves interpretation of variants in research participants for the purpose of population health screening. Participant phenotype was not available at the time of variant classification. Additional details can be found in publication PMID: 35346344, PMCID: PMC8962531

Color Diagnostics, LLC DBA Color Health
Classification: Likely benign for Von Hippel-Lindau syndrome. Last evaluated: 2023-05-03. Review status: criteria provided, single submitter. Criteria: ACMG Guidelines, 2015. Collection method: clinical testing. Allele origin: germline.

Ambry Genetics
Classification: Likely benign for Hereditary cancer-predisposing syndrome. Last evaluated: 2018-06-05. Review status: criteria provided, single submitter. Criteria: Ambry Variant Classification Scheme 2023. Collection method: clinical testing. Allele origin: germline.